The following is an entry in ClinVar:

ClinVar aggregate classification (germline): Uncertain significance (1 of 4 stars; one submission).

Conditions:
Inborn genetic diseases. Identifiers: MedGen C0950123, MeSH D030342.

gnomAD v4.1: 1 of 1,610,222 alleles (0.000062%); highest among the groups gnomAD compares: Non-Finnish European, 0.000085%; no homozygotes.

Submission:

Ambry Genetics
Classification: Uncertain significance for Inborn genetic diseases. Last evaluated: 2026-08-23. Review status: criteria provided, single submitter. Criteria: Ambry Variant Classification Scheme 2023. Collection method: clinical testing. Allele origin: germline.
Comment: The p.E252Q variant (also known as c.754G>C), located in coding exon 5 of the KDM1A gene, results from a G to C substitution at nucleotide position 754. The glutamic acid at codon 252 is replaced by glutamine, an amino acid with highly similar properties. This amino acid position is conserved. In addition, the in silico prediction for this alteration is inconclusive. Based on the available evidence, the clinical significance of this variant remains unclear.

NM_001009999.3(KDM1A):c.754G>C (p.Glu252Gln)

Gene: KDM1A (lysine demethylase 1A; plus strand). Cytogenetic location: 1p36.12.
Variant type: single nucleotide variant.
Coding change: c.754G>C on transcript NM_001009999.3 (MANE Select); coding-DNA position 754, G replaced by C.
Protein change: p.Glu252Gln; replaces glutamic acid 252 with glutamine.
Molecular consequence: missense variant.
Genome position (GRCh38, 1-based): chr1:23,053,803, G>C. VCF-style: chr1-23053803-G-C. GRCh37 (hg19) VCF-style: chr1-23380296-G-C.
Other names: c.694G>C, p.Glu232Gln (NM_001363654.2, NM_001410763.1, NM_015013.4); c.754G>C, p.Glu252Gln (NM_001410762.1); short protein forms E252Q, E232Q.
Identifiers: ClinVar variation 5023098 (VCV005023098.1).